The following is an entry in ClinVar:

ClinVar aggregate classification (germline): Uncertain significance. Review status: criteria provided, multiple submitters, no conflicts (2 of 4 stars). 2 submissions from 2 submitters: Uncertain significance (2). Last evaluated 2025-12-09.

gnomAD v4.1: 31 of 1,209,428 alleles (0.0026%); highest among the groups gnomAD compares: Non-Finnish European, 0.0035%; no homozygotes.

Submissions (2):

Labcorp Genetics (formerly Invitae), Labcorp
Classification: Uncertain significance. Last evaluated: 2025-12-09. Review status: criteria provided, single submitter. Criteria: Invitae Variant Classification Sherloc (09022015). Collection method: clinical testing. Allele origin: germline.
Comment: This sequence change replaces glutamine, which is neutral and polar, with glutamic acid, which is acidic and polar, at codon 311 of the POLA1 protein (p.Gln311Glu). This variant is not present in population databases (gnomAD no frequency). This variant has not been reported in the literature in individuals affected with POLA1-related conditions. ClinVar contains an entry for this variant (Variation ID: 3364405). Invitae Evidence Modeling of protein sequence and biophysical properties (such as structural, functional, and spatial information, amino acid conservation, physicochemical variation, residue mobility, and thermodynamic stability) indicates that this missense variant is not expected to disrupt POLA1 protein function with a negative predictive value of 80%. In summary, the available evidence is currently insufficient to determine the role of this variant in disease. Therefore, it has been classified as a Variant of Uncertain Significance.

GeneDx
Classification: Uncertain significance. Last evaluated: 2023-11-18. Review status: criteria provided, single submitter. Criteria: GeneDx Variant Classification Process June 2021. Collection method: clinical testing. Allele origin: germline. Affected: yes.
Comment: Not observed at significant frequency in large population cohorts (gnomAD); In silico analysis supports that this missense variant does not alter protein structure/function; Has not been previously published as pathogenic or benign to our knowledge

NM_001330360.2(POLA1):c.949C>G (p.Gln317Glu)

Gene: POLA1 (DNA polymerase alpha 1, catalytic subunit; plus strand). Cytogenetic location: Xp22.11.
Variant type: single nucleotide variant.
Coding change: c.949C>G on transcript NM_001330360.2 (MANE Select); coding-DNA position 949, C replaced by G.
Protein change: p.Gln317Glu; replaces glutamine 317 with glutamic acid.
Molecular consequence: missense variant. On other transcripts: non-coding transcript variant (2).
Genome position (GRCh38, 1-based): chrX:24,717,620, C>G. VCF-style: chrX-24717620-C-G. GRCh37 (hg19) VCF-style: chrX-24735737-C-G.
Other names: c.949C>G, p.Gln317Glu (NM_001378303.1); c.931C>G, p.Gln311Glu (NM_016937.4); short protein forms Q311E, Q317E.
Identifiers: ClinVar variation 3364405 (VCV003364405.2).